The following is an entry in ClinVar:

ClinVar aggregate classification (germline): Likely benign. Review status: criteria provided, single submitter (1 of 4 stars). 2 submissions from 2 submitters: Likely benign (1). 1 of the submissions does not count toward it. Last evaluated 2025-07-10.

Conditions:
EPS8-related disorder. Also called: EPS8-related condition.

Allele frequency attached by ClinVar (database versions not stated): ExAC 0.00001; gnomAD exomes 0.00007; gnomAD 0.00005; TOPMed 0.00008.
gnomAD v4.1: 115 of 1,590,538 alleles (0.0072%); highest among the groups gnomAD compares: Non-Finnish European, 0.0093%; no homozygotes.

Submissions (2):

Labcorp Genetics (formerly Invitae), Labcorp
Classification: Likely benign. Last evaluated: 2025-07-10. Review status: criteria provided, single submitter. Criteria: Invitae Variant Classification Sherloc (09022015). Collection method: clinical testing. Allele origin: germline.

PreventionGenetics, part of Exact Sciences
Classification: Likely benign for EPS8-related condition. Last evaluated: 2021-02-17. Review status: no assertion criteria provided. Collection method: clinical testing. Allele origin: germline. Not counted in ClinVar's aggregate classification.
Comment: This variant is classified as likely benign based on ACMG/AMP sequence variant interpretation guidelines (Richards et al. 2015 PMID: 25741868, with internal and published modifications).

NM_004447.6(EPS8):c.1027-10C>T

Gene: EPS8 (EGFR pathway substrate 8, signaling adaptor; minus strand). Cytogenetic location: 12p12.3.
Variant type: single nucleotide variant.
Coding change: c.1027-10C>T on transcript NM_004447.6 (MANE Select); 10 bases into the intron before coding-DNA position 1027, C replaced by T.
Molecular consequence: intron variant.
Genome position (GRCh38, 1-based): chr12:15,658,163, G>A on the plus strand (C>T on the coding strand, the complement: EPS8 is on the minus strand). VCF-style: chr12-15658163-G-A. GRCh37 (hg19) VCF-style: chr12-15811097-G-A.
Other names: c.1027-10C>T (NM_004447.5, NM_001413831.1, NM_001413832.1 and 3 more transcripts); c.787-10C>T (NM_001413836.1, NM_001413835.1); c.610-10C>T (NM_001413837.1); c.247-10C>T (NM_001413838.1).
Identifiers: ClinVar variation 3014507 (VCV003014507.5), dbSNP rs773261982, ClinGen allele CA6467681.